The following is an entry in ClinVar:

NM_002016.2(FLG):c.9901A>T (p.Arg3301Ter)

Genes: CCDST (cervical cancer associated DHX9 suppressive transcript; plus strand), FLG (filaggrin; minus strand). Cytogenetic location: 1q21.3.
Variant type: single nucleotide variant.
Coding change: c.9901A>T on transcript NM_002016.2 (MANE Select); coding-DNA position 9901, A replaced by T.
Protein change: p.Arg3301Ter; replaces arginine 3301 with a stop codon.
Molecular consequence: nonsense.
Genome position (GRCh38, 1-based): chr1:152,304,985, T>A on the plus strand (A>T on the coding strand, the complement: FLG is on the minus strand). VCF-style: chr1-152304985-T-A. GRCh37 (hg19) VCF-style: chr1-152277461-T-A.
Other names: short protein forms R3301*.
Identifiers: ClinVar variation 1705697 (VCV001705697.1), dbSNP rs2525145486, ClinGen allele CA342074772.

ClinVar aggregate classification (germline): Likely pathogenic (1 of 4 stars; one submission).

Conditions:
Dermatitis, atopic, 2. Identifiers: MedGen C1853965, MONDO:0011596, OMIM 605803.

Submission:

3billion
Classification: Likely pathogenic for Dermatitis, atopic, 2. Last evaluated: 2022-09-01. Review status: criteria provided, single submitter. Criteria: ACMG Guidelines, 2015. Collection method: clinical testing. Allele origin: germline. Affected: yes. Observed: 1 heterozygote.
Comment: The variant is not observed in the gnomAD v2.1.1 dataset. This stop-gained (nonsense) variant is predicted to result in a loss or disruption of normal protein function through protein truncation. The predicted truncated protein may be shortened by more than 10%. Therefore, this variant is classified as Likely pathogenic according to the recommendation of ACMG/AMP guideline.